The following is an entry in ClinVar:

ClinVar aggregate classification (germline): Uncertain significance (1 of 4 stars; one submission).

Conditions:
Primary ciliary dyskinesia. Also called: Ciliary dyskinesia. Identifiers: Orphanet 244, MedGen C0008780, MONDO:0016575, HP:0012265.

gnomAD v4.1: 4 of 1,609,476 alleles (0.00025%); highest among the groups gnomAD compares: South Asian, 0.0022%; no homozygotes.

Submission:

Labcorp Genetics (formerly Invitae), Labcorp
Classification: Uncertain significance for Primary ciliary dyskinesia. Last evaluated: 2021-08-17. Review status: criteria provided, single submitter. Criteria: Invitae Variant Classification Sherloc (09022015). Collection method: clinical testing. Allele origin: germline.
Comment: This sequence change affects codon 373 of the DNAAF3 mRNA. It is a 'silent' change, meaning that it does not change the encoded amino acid sequence of the DNAAF3 protein. This variant is not present in population databases (ExAC no frequency). This variant has not been reported in the literature in individuals affected with DNAAF3-related conditions. Algorithms developed to predict the effect of sequence changes on RNA splicing suggest that this variant may create or strengthen a splice site. In summary, the available evidence is currently insufficient to determine the role of this variant in disease. Therefore, it has been classified as a Variant of Uncertain Significance.

NM_001256715.2(DNAAF3):c.915G>A (p.Thr305=)

Genes: DNAAF3-AS1 (DNAAF3 antisense RNA 1; plus strand), DNAAF3 (dynein axonemal assembly factor 3; minus strand). Cytogenetic location: 19q13.42.
Variant type: single nucleotide variant.
Coding change: c.915G>A on transcript NM_001256715.2 (MANE Select); coding-DNA position 915, G replaced by A.
Protein change: p.Thr305=; no amino-acid change (threonine 305 retained).
Molecular consequence: synonymous variant.
Genome position (GRCh38, 1-based): chr19:55,160,773, C>T on the plus strand (G>A on the coding strand, the complement: DNAAF3 is on the minus strand). VCF-style: chr19-55160773-C-T. GRCh37 (hg19) VCF-style: chr19-55672141-C-T.
Other names: c.1119G>A, p.Thr373= (NM_001256714.1); c.753G>A, p.Thr251= (NM_001256716.2); c.1056G>A, p.Thr352= (NM_178837.4).
Identifiers: ClinVar variation 1476811 (VCV001476811.3), dbSNP rs886054640, ClinGen allele CA509195952.